The following continues an entry in ClinVar:

NM_000238.4(KCNH2):c.1750G>A (p.Gly584Ser)

Gene: KCNH2. ClinVar aggregate classification (germline): Pathogenic/Likely pathogenic. Pathogenic (11); Likely pathogenic (4).

Submissions 10 to 17 of 17:

GeneDx
Classification: Pathogenic. Last evaluated: 2022-06-30. Review status: criteria provided, single submitter. Criteria: GeneDx Variant Classification Process June 2021. Collection method: clinical testing. Allele origin: germline. Affected: yes.
Comment: Not observed at significant frequency in large population cohorts (gnomAD); In silico analysis supports that this missense variant has a deleterious effect on protein structure/function; Published functional studies using patch clamp assays in transfected Chinese hamster ovary (CHO) cells and Xenopus oocytes suggest that the G584S mutant channel causes a loss of the rapid delayed rectifier current due to trafficking and gating defects (Zhao et al., 2009; Perry et al., 2016); Reported as a pathogenic/likely pathogenic variant in ClinVar (ClinVar Variant ID#67261; ClinVar); This variant is associated with the following publications: (PMID: 21440677, 27807201, 24606995, 22581653, 31447099, 15176425, 20659946, 20566482, 22949429, 25417810, 25649125, 26187847, 26669661, 19490267, 26958806, 19716085, 10862094, 23098067, 15840476, 10973849, 10483966, 19841300, 31358886, 28431243, 32048431, 34319147, 33087929)

CeGaT Center for Human Genetics Tuebingen
Classification: Pathogenic. Last evaluated: 2021-06-01. Review status: criteria provided, single submitter. Criteria: CeGaT Center For Human Genetics Tuebingen Variant Classification Criteria Version 2. Collection method: clinical testing. Allele origin: germline. Affected: yes. Observed: 2 variant alleles.

Mayo Clinic Laboratories, Mayo Clinic
Classification: Pathogenic. Last evaluated: 2019-08-17. Review status: criteria provided, single submitter. Criteria: ACMG Guidelines, 2015. Collection method: clinical testing. Allele origin: germline. Observed: 1 variant allele.
Comment: PS3_Supporting, PS-Moderate, PP2, PP3, PP1_Moderate, PM1

Color Diagnostics, LLC DBA Color Health
Classification: Likely pathogenic for Cardiac arrhythmia. Last evaluated: 2019-07-14. Review status: criteria provided, single submitter. Criteria: ACMG Guidelines, 2015. Collection method: clinical testing. Allele origin: germline.
Comment: This missense variant replaces glycine with serine at codon 584 in the extracellular linker region between transmembrane domain S5 and pore-forming region of the KCNH2 protein. Computational prediction tools and conservation analyses suggest that this variant may have deleterious impact on the protein function. Computational splicing tools suggest that this variant may not impact RNA splicing. Experimental functional studies have shown that the mutant protein carrying this variant traffics to the cell membrane normally but has moderate impact on the channel function (PMID: 19490267, 26958806). This variant has been reported to segregate with long QT syndrome in a large multigenerational family (PMID: 19490267). This variant has also been reported in multiple unrelated individuals affected with long QT syndrome (PMID: 10862094, 10973849, 22949429, 23098067, 24606995, 25925977). This variant has been identified in 2/251412 chromosomes in the general population by the Genome Aggregation Database (gnomAD). Based on available evidence, this variant is classified as Likely Pathogenic.

Laboratory for Molecular Medicine, Mass General Brigham Personalized Medicine
Classification: Likely pathogenic for Familial long QT syndrome. Last evaluated: 2019-01-29. Review status: criteria provided, single submitter. Criteria: LMM Criteria. Collection method: clinical testing. Allele origin: germline. Inheritance: Autosomal dominant inheritance. Observed: 1 variant allele.
Comment: The p.Gly584Ser variant in KCNH2 has been reported in 4 individuals with long QT syndrome, segregated with disease in at least 11 affected relatives from 2 families (Swan 1999, Laitinen 2000, Zhao 2009, Giudicessi 2012, and Li 2015), and has also been reported by other clinical laboratories in ClinVar (Variation ID: 67261). In vitro functional studies provide some evidence that the p.Gly584Ser variant may impact protein function (Zhao 2009). This variant was absent from large population studies. Computational prediction tools and conservation analysis do not provide strong support for or against an impact to the protein. In summary, although additional studies are required to fully establish its clinical significance, the p.Gly584Ser variant is likely pathogenic.

Genomics England Pilot Project, Genomics England
Classification: Likely pathogenic for Long QT syndrome 2. Review status: criteria provided, single submitter. Criteria: ACGS Guidelines, 2016. Collection method: clinical testing. Allele origin: germline. Affected: yes.

Division of Human Genetics, Children's Hospital of Philadelphia
Classification: Pathogenic for Long QT syndrome 2; Short QT syndrome type 1. Last evaluated: 2016-02-10. Review status: no assertion criteria provided. Collection method: research. Allele origin: maternal. Affected: yes. Study: CSER-PediSeq. Not counted in ClinVar's aggregate classification.

Cardiovascular Biomedical Research Unit, Royal Brompton & Harefield NHS Foundation Trust
No classification provided. Condition: Familial long QT syndrome. Review status: no classification provided. Collection method: literature only. Allele origin: germline. Not counted in ClinVar's aggregate classification.
Comment: This variant has been reported as associated with Long QT syndrome in the following publications (PMID:10483966;PMID:10862094;PMID:10973849;PMID:15840476;PMID:19490267;PMID:19716085;PMID:19841300). This is a literature report, and does not necessarily reflect the clinical interpretation of the Imperial College / Royal Brompton Cardiovascular Genetics laboratory.

Literature cited by the submitters: PubMed 37386841 (cited by Dasa); PubMed 19490267 (cited by 7 submitters); PubMed 34841674 (cited by Dasa); PubMed 31358886 (cited by 3 submitters); PubMed 10862094 (cited by 7 submitters); PubMed 24606995 (cited by 3 submitters); PubMed 10973849 (cited by 5 submitters); PubMed 22949429 (cited by 5 submitters); PubMed 10483966 (cited by 6 submitters); PubMed 15840476 (cited by Ambry Genetics and Cardiovascular Biomedical Research Unit, Royal Brompton & Harefield NHS Foundation Trust); PubMed 19716085 (cited by Ambry Genetics and Cardiovascular Biomedical Research Unit, Royal Brompton & Harefield NHS Foundation Trust); PubMed 19841300 (cited by Ambry Genetics and Cardiovascular Biomedical Research Unit, Royal Brompton & Harefield NHS Foundation Trust); PubMed 20659946 (cited by Ambry Genetics); PubMed 21911102 (cited by Ambry Genetics); PubMed 23098067 (cited by Ambry Genetics); PubMed 26063740 (cited by Ambry Genetics); PubMed 26187847 (cited by 4 submitters); PubMed 26958806 (cited by Ambry Genetics and Mayo Clinic Laboratories, Mayo Clinic); PubMed 28431243 (cited by Ambry Genetics); PubMed 20301308 (cited by Rady Children's Institute for Genomic Medicine, Rady Children's Hospital San Diego); 10862094 (cited by Rady Children's Institute for Genomic Medicine, Rady Children's Hospital San Diego); 10973849 (cited by Rady Children's Institute for Genomic Medicine, Rady Children's Hospital San Diego); 22949429 (cited by Rady Children's Institute for Genomic Medicine, Rady Children's Hospital San Diego); 24606995 (cited by Rady Children's Institute for Genomic Medicine, Rady Children's Hospital San Diego); 32048431 (cited by Rady Children's Institute for Genomic Medicine, Rady Children's Hospital San Diego); 34319147 (cited by Rady Children's Institute for Genomic Medicine, Rady Children's Hospital San Diego); 26187847 (cited by Rady Children's Institute for Genomic Medicine, Rady Children's Hospital San Diego); 19490267 (cited by Rady Children's Institute for Genomic Medicine, Rady Children's Hospital San Diego); 31358886 (cited by Rady Children's Institute for Genomic Medicine, Rady Children's Hospital San Diego); 19716085 (cited by Rady Children's Institute for Genomic Medicine, Rady Children's Hospital San Diego); 18441445 (cited by Rady Children's Institute for Genomic Medicine, Rady Children's Hospital San Diego); 18752142 (cited by Rady Children's Institute for Genomic Medicine, Rady Children's Hospital San Diego); PubMed 34319147 (cited by New York Genome Center); PubMed 17222736 (cited by Mayo Clinic Laboratories, Mayo Clinic); PubMed 25925977 (cited by Mayo Clinic Laboratories, Mayo Clinic); PubMed 22581653 (cited by Cardiovascular Biomedical Research Unit, Royal Brompton & Harefield NHS Foundation Trust).